The following is an entry in ClinVar:

ClinVar aggregate classification (germline): Uncertain significance (1 of 4 stars; one submission).

Submission:

CeGaT Center for Human Genetics Tuebingen
Classification: Uncertain significance. Last evaluated: 2024-05-01. Review status: criteria provided, single submitter. Criteria: CeGaT Center For Human Genetics Tuebingen Variant Classification Criteria Version 2. Collection method: clinical testing. Allele origin: germline. Affected: yes. Observed: 1 variant allele.
Comment: MYO1D: PM2, PP3

NM_015194.3(MYO1D):c.439G>A (p.Ala147Thr)

Gene: MYO1D (myosin ID; minus strand). Cytogenetic location: 17q11.2.
Variant type: single nucleotide variant.
Coding change: c.439G>A on transcript NM_015194.3 (MANE Select); coding-DNA position 439, G replaced by A.
Protein change: p.Ala147Thr; replaces alanine 147 with threonine.
Molecular consequence: missense variant.
Genome position (GRCh38, 1-based): chr17:32,775,989, C>T on the plus strand (G>A on the coding strand, the complement: MYO1D is on the minus strand). VCF-style: chr17-32775989-C-T. GRCh37 (hg19) VCF-style: chr17-31103007-C-T.
Other names: c.439G>A, p.Ala147Thr (NM_001303279.2, NM_001303280.2); c.175G>A, p.Ala59Thr (NM_001411088.1); short protein forms A147T, A59T.
Identifiers: ClinVar variation 3239347 (VCV003239347.19), dbSNP rs2090168191.